The following is an entry in ClinVar:

NM_001378418.1(TCF20):c.4774C>T (p.Gln1592Ter)

Gene: TCF20 (transcription factor 20; minus strand). Cytogenetic location: 22q13.2.
Variant type: single nucleotide variant.
Coding change: c.4774C>T on transcript NM_001378418.1 (MANE Select); coding-DNA position 4774, C replaced by T.
Protein change: p.Gln1592Ter; replaces glutamine 1592 with a stop codon.
Molecular consequence: nonsense.
Genome position (GRCh38, 1-based): chr22:42,210,532, G>A on the plus strand (C>T on the coding strand, the complement: TCF20 is on the minus strand). VCF-style: chr22-42210532-G-A. GRCh37 (hg19) VCF-style: chr22-42606538-G-A.
Other names: c.4774C>T, p.Gln1592Ter (NM_005650.4, NM_181492.3); short protein forms Q1592*.
Identifiers: ClinVar variation 599400 (VCV000599400.4), dbSNP rs1601592351, ClinGen allele CA411783387.

ClinVar aggregate classification (germline): Pathogenic (0 of 4 stars; one submission).

Conditions:
Intellectual disability. Also called: Intellectual developmental disorder; Intellectual functioning disability; intellectual disabilities. Identifiers: MedGen C3714756, MeSH D008607, MONDO:0001071, HP:0001249.
Generalized hypotonia. Identifiers: MedGen C1858120, HP:0001290.
Hypotelorism. Identifiers: MedGen C0424711, HP:0000601.

Submission:

Groupe Hospitalier Pitie Salpetriere, Uf Genomique Du Developpement, Assistance Publique Hopitaux de Paris Sorbonne Université
Classification: Pathogenic for Intellectual disability; Generalized hypotonia; Hypotelorism. Last evaluated: 2018-11-06. Review status: no assertion criteria provided. Collection method: clinical testing. Allele origin: de novo. Inheritance: Autosomal dominant inheritance. Affected: yes. Observed: 1 heterozygote.
Comment: de novo + truncating (PS + PVS according to the ACMG criteria)